The following is an entry in ClinVar:

NM_004408.4(DNM1):c.1408C>T (p.Arg470Cys)

Gene: DNM1 (dynamin 1; plus strand). Cytogenetic location: 9q34.11.
Variant type: single nucleotide variant.
Coding change: c.1408C>T on transcript NM_004408.4 (MANE Select); coding-DNA position 1408, C replaced by T.
Protein change: p.Arg470Cys; replaces arginine 470 with cysteine.
Molecular consequence: missense variant.
Genome position (GRCh38, 1-based): chr9:128,234,093, C>T. VCF-style: chr9-128234093-C-T. GRCh37 (hg19) VCF-style: chr9-130996372-C-T.
Other names: c.1408C>T, p.Arg470Cys (NM_001005336.3, NM_001288737.2, NM_001288738.2 and 2 more transcripts); short protein forms R470C.
Identifiers: ClinVar variation 1309238 (VCV001309238.4), dbSNP rs762553379, ClinGen allele CA5258148.

ClinVar aggregate classification (germline): Uncertain significance (1 of 4 stars; one submission).

Allele frequency attached by ClinVar (database versions not stated): gnomAD 0.00001; gnomAD exomes 0.00001.
gnomAD v4.1: 10 of 1,564,638 alleles (0.00064%); highest among the groups gnomAD compares: Admixed American, 0.0019%; no homozygotes.

Submission:

GeneDx
Classification: Uncertain significance. Last evaluated: 2023-09-19. Review status: criteria provided, single submitter. Criteria: GeneDx Variant Classification Process June 2021. Collection method: clinical testing. Allele origin: germline. Affected: yes.
Comment: In silico analysis supports that this missense variant has a deleterious effect on protein structure/function; Has not been previously published as pathogenic or benign to our knowledge